The following is an entry in ClinVar:

ClinVar aggregate classification (germline): Uncertain significance (1 of 4 stars; one submission).

Submission:

Labcorp Genetics (formerly Invitae), Labcorp
Classification: Uncertain significance. Last evaluated: 2024-03-19. Review status: criteria provided, single submitter. Criteria: Invitae Variant Classification Sherloc (09022015). Collection method: clinical testing. Allele origin: germline.
Comment: This sequence change replaces alanine, which is neutral and non-polar, with valine, which is neutral and non-polar, at codon 168 of the POU4F3 protein (p.Ala168Val). The frequency data for this variant in the population databases is considered unreliable, as metrics indicate poor data quality at this position in the gnomAD database. This variant has not been reported in the literature in individuals affected with POU4F3-related conditions. Advanced modeling of protein sequence and biophysical properties (such as structural, functional, and spatial information, amino acid conservation, physicochemical variation, residue mobility, and thermodynamic stability) performed at Invitae indicates that this missense variant is not expected to disrupt POU4F3 protein function with a negative predictive value of 80%. In summary, the available evidence is currently insufficient to determine the role of this variant in disease. Therefore, it has been classified as a Variant of Uncertain Significance.

NM_002700.3(POU4F3):c.503C>T (p.Ala168Val)

Genes: POU4F3 (POU class 4 homeobox 3; plus strand), RBM27-POU4F3 (RBM27-POU4F3 readthrough; plus strand). Cytogenetic location: 5q32.
Variant type: single nucleotide variant.
Coding change: c.503C>T on transcript NM_002700.3 (MANE Select); coding-DNA position 503, C replaced by T.
Protein change: p.Ala168Val; replaces alanine 168 with valine.
Molecular consequence: missense variant. On other transcripts: 3 prime UTR variant (1).
Genome position (GRCh38, 1-based): chr5:146,339,930, C>T. VCF-style: chr5-146339930-C-T. GRCh37 (hg19) VCF-style: chr5-145719493-C-T.
Other names: c.*372C>T (NM_001414499.1); short protein forms A168V.
Identifiers: ClinVar variation 3646807 (VCV003646807.2).